The following is an entry in ClinVar:

ClinVar aggregate classification (germline): Likely pathogenic. Review status: criteria provided, multiple submitters, no conflicts (2 of 4 stars). 2 submissions from 2 submitters: Likely pathogenic (2). Last evaluated 2020-02-24.

Conditions:
Diamond-Blackfan anemia. Also called: Blackfan Diamond syndrome; Aregenerative anemia chronic congenital; Red cell aplasia, pure hereditary; Congenital hypoplastic anemia; Aase syndrome. Identifiers: Orphanet 124, MedGen C1260899, MeSH D029503, MONDO:0015253, HP:0004810.

Submissions (2):

Ambry Genetics
Classification: Likely pathogenic for Diamond-Blackfan anemia. Last evaluated: 2020-02-24. Review status: criteria provided, single submitter. Criteria: Ambry Variant Classification Scheme 2023. Collection method: clinical testing. Allele origin: germline.
Comment: The c.397-2A>G intronic variant results from an A to G substitution two nucleotides upstream from coding exon 5 in the RPL11 gene. This nucleotide position is highly conserved in available vertebrate species. Using the BDGP and ESEfinder splice site prediction tools, this alteration is predicted to abolish the native splice acceptor site; however, direct evidence is unavailable. Alterations that disrupt the canonical splice site are expected to cause aberrant splicing, resulting in an abnormal protein or a transcript that is subject to nonsense-mediated mRNA decay. As such, this alteration is classified as likely pathogenic.

GeneDx
Classification: Likely pathogenic. Last evaluated: 2019-10-04. Review status: criteria provided, single submitter. Criteria: GeneDx Variant Classification Process June 2021. Collection method: clinical testing. Allele origin: germline. Affected: yes.
Comment: Canonical splice site variant predicted to result in an in-frame deletion of a critical region; Not observed in large population cohorts (Lek et al., 2016); Has not been previously published as pathogenic or benign to our knowledge

NM_000975.5(RPL11):c.397-2A>G

Gene: RPL11 (ribosomal protein L11; plus strand). Cytogenetic location: 1p36.11.
Variant type: single nucleotide variant.
Coding change: c.397-2A>G on transcript NM_000975.5 (MANE Select); the canonical splice acceptor site of the intron before coding-DNA position 397, A replaced by G.
Molecular consequence: splice acceptor variant.
Genome position (GRCh38, 1-based): chr1:23,695,796, A>G. VCF-style: chr1-23695796-A-G. GRCh37 (hg19) VCF-style: chr1-24022286-A-G.
Other names: c.394-2A>G (NM_001199802.1).
Identifiers: ClinVar variation 1192787 (VCV001192787.4), dbSNP rs2124432051, ClinGen allele CA338994217.
Genomic context (GRCh38, chr1:23,695,796, plus strand): 5'-GTCTTGTCCATCTGCTCTTGACTCTGAGCTGGCTAGGTGACTGTTGGTTATTCCTGGGAC[A>G]GGTGCTGGGTAGGCCAGGTTTCAGCATCGCAGACAAGAAGCGCAGGACAGGCTGCATTGG-3'